The following is an entry in ClinVar:

NM_006269.2(RP1):c.2303C>T (p.Ser768Phe)

Gene: RP1 (RP1 axonemal microtubule associated; plus strand). Cytogenetic location: 8q12.1.
Variant type: single nucleotide variant.
Coding change: c.2303C>T on transcript NM_006269.2 (MANE Select); coding-DNA position 2303, C replaced by T.
Protein change: p.Ser768Phe; replaces serine 768 with phenylalanine.
Molecular consequence: missense variant. On other transcripts: intron variant (1).
Genome position (GRCh38, 1-based): chr8:54,626,185, C>T. VCF-style: chr8-54626185-C-T. GRCh37 (hg19) VCF-style: chr8-55538745-C-T.
Other names: c.787+3897C>T (NM_001375654.1); short protein forms S768F.
Identifiers: ClinVar variation 1006110 (VCV001006110.10), dbSNP rs1162608680, ClinGen allele CA370993378.

ClinVar aggregate classification (germline): Uncertain significance. Review status: criteria provided, multiple submitters, no conflicts (2 of 4 stars). 2 submissions from 2 submitters: Uncertain significance (2). Last evaluated 2020-08-14.

Allele frequency attached by ClinVar (database versions not stated): TOPMed below 0.00001.
gnomAD v4.1: 1 of 1,611,078 alleles (0.000062%); highest among the groups gnomAD compares: Non-Finnish European, 0.000085%; no homozygotes.

Submissions (2):

Blueprint Genetics
Classification: Uncertain significance. Last evaluated: 2020-08-14. Review status: criteria provided, single submitter. Criteria: ACMG Guidelines, 2015. Collection method: clinical testing. Allele origin: germline.

Labcorp Genetics (formerly Invitae), Labcorp
Classification: Uncertain significance. Last evaluated: 2020-02-07. Review status: criteria provided, single submitter. Criteria: Invitae Variant Classification Sherloc (09022015). Collection method: clinical testing. Allele origin: germline.
Comment: In summary, the available evidence is currently insufficient to determine the role of this variant in disease. Therefore, it has been classified as a Variant of Uncertain Significance. Algorithms developed to predict the effect of missense changes on protein structure and function (SIFT, PolyPhen-2, Align-GVGD) all suggest that this variant is likely to be tolerated, but these predictions have not been confirmed by published functional studies and their clinical significance is uncertain. This variant has not been reported in the literature in individuals with RP1-related conditions. This variant is not present in population databases (ExAC no frequency). This sequence change replaces serine with phenylalanine at codon 768 of the RP1 protein (p.Ser768Phe). The serine residue is weakly conserved and there is a large physicochemical difference between serine and phenylalanine.